The following is an entry in ClinVar:

ClinVar aggregate classification (germline): Uncertain significance (1 of 4 stars; one submission).

Submission:

Labcorp Genetics (formerly Invitae), Labcorp
Classification: Uncertain significance. Last evaluated: 2022-10-13. Review status: criteria provided, single submitter. Criteria: Invitae Variant Classification Sherloc (09022015). Collection method: clinical testing. Allele origin: germline.
Comment: In summary, the available evidence is currently insufficient to determine the role of this variant in disease. Therefore, it has been classified as a Variant of Uncertain Significance. This variant, c.2317_2319del, results in the deletion of 1 amino acid(s) of the FAM186B protein (p.Glu773del), but otherwise preserves the integrity of the reading frame. This variant is present in population databases (rs749910555, gnomAD 0.01%). This variant has not been reported in the literature in individuals affected with FAM186B-related conditions. Experimental studies and prediction algorithms are not available or were not evaluated, and the functional significance of this variant is currently unknown.

NM_032130.3(FAM186B):c.2314GAG[1] (p.Glu773del)

Gene: FAM186B (family with sequence similarity 186 member B; minus strand). Cytogenetic location: 12q13.12.
Variant type: Microsatellite.
Coding change: c.2314GAG[1] on transcript NM_032130.3 (MANE Select); one copy of the 3-base unit GAG starting at c.2314; the reference has two copies in a row; one copy, 3 bases deleted.
Protein change: p.Glu773del; deletes glutamic acid 773.
Molecular consequence: inframe deletion. On other transcripts: non-coding transcript variant (1).
Genome position (GRCh38, 1-based): chr12:49,598,800-49,598,802, CTC deleted on the plus strand (GAG on the coding strand, the reverse complement: FAM186B is on the minus strand); deleting any 3 consecutive bases within chr12:49,598,800-49,598,806 gives the same sequence; the position shown is the placement nearest the transcript's 3' end. VCF-style (leftmost placement, unchanged base first): chr12-49598799-TCTC-T. GRCh37 (hg19) VCF-style: chr12-49992582-TCTC-T.
Other names: short protein forms E773del.
Identifiers: ClinVar variation 1916417 (VCV001916417.5), dbSNP rs749910555, ClinGen allele CA6554504.
Genomic context (GRCh38, chr12:49,598,799, plus strand): 5'-AGGGCGGGAGGCCCACCTTGGGGAACATGGTCACCATGCTGCTCAGGCACTCTCGGTGCT[TCTC>T]CTCCAGCCCCTTCTGCTTGTCCGTCCAGGCCTGCAGCCTGAGACTCTGCAGGCGGTCAAT-3'